The following is an entry in ClinVar:

NM_007194.4(CHEK2):c.150C>T (p.Ser50=)

Gene: CHEK2 (checkpoint kinase 2; minus strand). Cytogenetic location: 22q12.1.
Variant type: single nucleotide variant.
Coding change: c.150C>T on transcript NM_007194.4 (MANE Select); coding-DNA position 150, C replaced by T.
Protein change: p.Ser50=; no amino-acid change (serine 50 retained).
Molecular consequence: synonymous variant.
Genome position (GRCh38, 1-based): chr22:28,734,572, G>A on the plus strand (C>T on the coding strand, the complement: CHEK2 is on the minus strand). VCF-style: chr22-28734572-G-A. GRCh37 (hg19) VCF-style: chr22-29130560-G-A.
Other names: c.150C>T, p.Ser50= (NM_001005735.3, NM_001349956.3, NM_145862.3); c.-628C>T (NM_001257387.3).
Identifiers: ClinVar variation 483390 (VCV000483390.20), dbSNP rs967317594, ClinGen allele CA322998767.

ClinVar aggregate classification (germline): Benign/Likely benign. Review status: criteria provided, multiple submitters, no conflicts (2 of 4 stars). 5 submissions from 5 submitters: Benign (1); Likely benign (4). Last evaluated 2025-08-06.

Conditions:
Hereditary cancer-predisposing syndrome. Also called: Neoplastic Syndromes, Hereditary; Tumor predisposition; Hereditary Cancer Syndrome; Hereditary neoplastic syndrome. Identifiers: Orphanet 140162, MedGen C0027672, MeSH D009386, MONDO:0015356.
Familial cancer of breast. Also called: BREAST CANCER, FAMILIAL; Hereditary breast cancer; hereditary breast carcinoma. Identifiers: Orphanet 227535, MedGen C0346153, MONDO:0016419, OMIM 114480. Disease mechanism: loss of function.

Allele frequency attached by ClinVar (database versions not stated): gnomAD exomes below 0.00001; TOPMed 0.00002; gnomAD 0.00003 and 0.00004.
gnomAD v4.1: 4 of 1,613,770 alleles (0.00025%); highest among the groups gnomAD compares: African/African-American, 0.0053%; no homozygotes.

Submissions (5):

Labcorp Genetics (formerly Invitae), Labcorp
Classification: Likely benign for Familial cancer of breast. Last evaluated: 2025-08-06. Review status: criteria provided, single submitter. Criteria: Invitae Variant Classification Sherloc (09022015). Collection method: clinical testing. Allele origin: germline.

Myriad Genetics, Inc.
Classification: Benign for Familial cancer of breast. Last evaluated: 2024-10-01. Review status: criteria provided, single submitter. Criteria: Myriad Autosomal Dominant, Autosomal Recessive and X-Linked Classification Criteria (2023). Collection method: clinical testing. Allele origin: unknown.
Comment: This variant is considered benign. This variant is a silent/synonymous amino acid change and it is not expected to impact splicing.

Color Diagnostics, LLC DBA Color Health
Classification: Likely benign for Hereditary cancer-predisposing syndrome. Last evaluated: 2018-05-30. Review status: criteria provided, single submitter. Criteria: ACMG Guidelines, 2015. Collection method: clinical testing. Allele origin: germline.

GeneDx
Classification: Likely benign. Last evaluated: 2018-04-26. Review status: criteria provided, single submitter. Criteria: GeneDx Variant Classification (06012015). Collection method: clinical testing. Allele origin: germline. Affected: yes.
Comment: This variant is considered likely benign or benign based on one or more of the following criteria: it is a conservative change, it occurs at a poorly conserved position in the protein, it is predicted to be benign by multiple in silico algorithms, and/or has population frequency not consistent with disease.

Ambry Genetics
Classification: Likely benign for Hereditary cancer-predisposing syndrome. Last evaluated: 2017-06-06. Review status: criteria provided, single submitter. Criteria: Ambry Variant Classification Scheme 2023. Collection method: clinical testing. Allele origin: germline.